The following is an entry in ClinVar:

ClinVar aggregate classification (germline): Uncertain significance (1 of 4 stars; one submission).

Conditions:
Citrin deficiency. Identifiers: Orphanet 247582, MedGen C1997910, MONDO:0016602.

Submission:

Labcorp Genetics (formerly Invitae), Labcorp
Classification: Uncertain significance for Citrin deficiency. Last evaluated: 2021-08-30. Review status: criteria provided, single submitter. Criteria: Invitae Variant Classification Sherloc (09022015). Collection method: clinical testing. Allele origin: germline.
Comment: This sequence change replaces tyrosine with phenylalanine at codon 384 of the SLC25A13 protein (p.Tyr384Phe). The tyrosine residue is moderately conserved and there is a small physicochemical difference between tyrosine and phenylalanine. This variant is not present in population databases (ExAC no frequency). This variant has not been reported in the literature in individuals affected with SLC25A13-related conditions. Advanced modeling of protein sequence and biophysical properties (such as structural, functional, and spatial information, amino acid conservation, physicochemical variation, residue mobility, and thermodynamic stability) performed at Invitae indicates that this missense variant is not expected to disrupt SLC25A13 protein function. In summary, the available evidence is currently insufficient to determine the role of this variant in disease. Therefore, it has been classified as a Variant of Uncertain Significance.

NM_014251.3(SLC25A13):c.1151A>T (p.Tyr384Phe)

Gene: SLC25A13 (solute carrier family 25 member 13; minus strand). Cytogenetic location: 7q21.3.
Variant type: single nucleotide variant.
Coding change: c.1151A>T on transcript NM_014251.3 (MANE Select); coding-DNA position 1151, A replaced by T.
Protein change: p.Tyr384Phe; replaces tyrosine 384 with phenylalanine.
Molecular consequence: missense variant. On other transcripts: non-coding transcript variant (1).
Genome position (GRCh38, 1-based): chr7:96,184,303, T>A on the plus strand (A>T on the coding strand, the complement: SLC25A13 is on the minus strand). VCF-style: chr7-96184303-T-A. GRCh37 (hg19) VCF-style: chr7-95813615-T-A.
Other names: c.1154A>T, p.Tyr385Phe (NM_001160210.2); short protein forms Y385F, Y384F.
Identifiers: ClinVar variation 1044055 (VCV001044055.6), dbSNP rs1197228945, ClinGen allele CA368260100.